The following is an entry in ClinVar:

NM_033225.6(CSMD1):c.7735G>A (p.Glu2579Lys)

Gene: CSMD1 (CUB and Sushi multiple domains 1; minus strand). Cytogenetic location: 8p23.2.
Variant type: single nucleotide variant.
Coding change: c.7735G>A on transcript NM_033225.6 (MANE Select); coding-DNA position 7735, G replaced by A.
Protein change: p.Glu2579Lys; replaces glutamic acid 2579 with lysine.
Molecular consequence: missense variant.
Genome position (GRCh38, 1-based): chr8:3,029,439, C>T on the plus strand (G>A on the coding strand, the complement: CSMD1 is on the minus strand). VCF-style: chr8-3029439-C-T. GRCh37 (hg19) VCF-style: chr8-2886961-C-T.
Other names: short protein forms E2579K.
Identifiers: ClinVar variation 4997833 (VCV004997833.1).

ClinVar aggregate classification (germline): Uncertain significance (1 of 4 stars; one submission).

Conditions:
CSMD1-related disorder. Also called: CSMD1-related condition.

gnomAD v4.1: 4 of 1,610,206 alleles (0.00025%); highest among the groups gnomAD compares: African/African-American, 0.004%; no homozygotes.

Submission:

PreventionGenetics, part of Exact Sciences
Classification: Uncertain significance for CSMD1-related condition. Last evaluated: 2026-08-13. Review status: criteria provided, single submitter. Criteria: ACMG Guidelines, 2015. Collection method: clinical testing. Allele origin: germline.
Comment: The CSMD1 c.7735G>A variant is predicted to result in the amino acid substitution p.Glu2579Lys. To our knowledge, this variant has not been reported in the literature or in a large population database (gnomAD), indicating this variant is rare. At this time, the clinical significance of this variant is uncertain due to the absence of conclusive functional and genetic evidence.